The following is an entry in ClinVar:

ClinVar aggregate classification (germline): Uncertain significance. Review status: criteria provided, single submitter (1 of 4 stars). 2 submissions from 2 submitters: Uncertain significance (1). 1 of the submissions does not count toward it. Last evaluated 2025-10-29.

Conditions:
GNE myopathy (NM). Also called: NONAKA DISTAL MYOPATHY; IBM 2; Inclusion body myopathy autosomal recessive; Inclusion body myopathy quadriceps sparing; INCLUSION BODY MYOPATHY, HEREDITARY, AUTOSOMAL RECESSIVE; INCLUSION BODY MYOPATHY 2, AUTOSOMAL RECESSIVE. Identifiers: Orphanet 602, MedGen C1853926, MONDO:0011603, OMIM 605820.

gnomAD v4.1: 1 of 1,614,024 alleles (0.000062%); highest among the groups gnomAD compares: Non-Finnish European, 0.000085%; no homozygotes.

Submissions (2):

Myriad Genetics, Inc.
Classification: Uncertain significance for GNE myopathy. Last evaluated: 2025-10-29. Review status: criteria provided, single submitter. Criteria: Myriad Autosomal Dominant, Autosomal Recessive and X-Linked Classification Criteria (2023). Collection method: clinical testing. Allele origin: unknown.
Comment: NM_001128227.2(GNE):c.2107G>A(A703T) is a missense variant classified as a variant of uncertain significance in the context of GNE myopathy. A703T has been observed in a case with relevant disease (PMID: 39332896). Relevant functional assessments of this variant are not available in the literature. A703T has not been observed in referenced population frequency databases. In summary, there is insufficient evidence to classify NM_001128227.2(GNE):c.2107G>A(A703T) as pathogenic or benign. Please note: this variant was assessed in the context of healthy population screening.

Natera, Inc.
Classification: Uncertain significance for Nonaka myopathy. Last evaluated: 2025-03-11. Review status: no assertion criteria provided. Collection method: clinical testing. Allele origin: germline. Not counted in ClinVar's aggregate classification.

Literature cited by the submitters: PubMed 39332896 (cited by Myriad Genetics, Inc.).

NM_005476.7(GNE):c.2014G>A (p.Ala672Thr)

Gene: GNE (glucosamine (UDP-N-acetyl)-2-epimerase/N-acetylmannosamine kinase; minus strand). Cytogenetic location: 9p13.3.
Variant type: single nucleotide variant.
Coding change: c.2014G>A on transcript NM_005476.7 (MANE Select); coding-DNA position 2014, G replaced by A.
Protein change: p.Ala672Thr; replaces alanine 672 with threonine.
Molecular consequence: missense variant.
Genome position (GRCh38, 1-based): chr9:36,217,520, C>T on the plus strand (G>A on the coding strand, the complement: GNE is on the minus strand). VCF-style: chr9-36217520-C-T. GRCh37 (hg19) VCF-style: chr9-36217517-C-T.
Other names: c.2107G>A, p.Ala703Thr (NM_001128227.3); c.1792G>A, p.Ala598Thr (NM_001190383.3); c.1684G>A, p.Ala562Thr (NM_001190384.3); c.1837G>A, p.Ala613Thr (NM_001190388.2, NM_001374798.1); c.1861G>A, p.Ala621Thr (NM_001374797.1); short protein forms A562T, A598T, A613T, A621T, A672T, A703T.
Identifiers: ClinVar variation 4068795 (VCV004068795.2).